The following is an entry in ClinVar:

NM_001830.4(CLCN4):c.121C>T (p.Arg41Trp)

Gene: CLCN4 (chloride voltage-gated channel 4; plus strand). Cytogenetic location: Xp22.2.
Variant type: single nucleotide variant.
Coding change: c.121C>T on transcript NM_001830.4 (MANE Select); coding-DNA position 121, C replaced by T.
Protein change: p.Arg41Trp; replaces arginine 41 with tryptophan.
Molecular consequence: missense variant. On other transcripts: intron variant (1).
Genome position (GRCh38, 1-based): chrX:10,185,153, C>T. VCF-style: chrX-10185153-C-T. GRCh37 (hg19) VCF-style: chrX-10153193-C-T.
Other names: c.-38-9758C>T (NM_001256944.2); short protein forms R41W.
Identifiers: ClinVar variation 1451039 (VCV001451039.6), dbSNP rs1487024975, ClinGen allele CA412031975.

ClinVar aggregate classification (germline): Uncertain significance (1 of 4 stars; one submission).

Allele frequency attached by ClinVar (database versions not stated): gnomAD exomes below 0.00001 and 0.00001; gnomAD 0.00001; TOPMed 0.00001.
gnomAD v4.1: 4 of 1,203,900 alleles (0.00033%); highest among the groups gnomAD compares: Admixed American, 0.0044%; no homozygotes.

Submission:

Labcorp Genetics (formerly Invitae), Labcorp
Classification: Uncertain significance. Last evaluated: 2023-07-20. Review status: criteria provided, single submitter. Criteria: Invitae Variant Classification Sherloc (09022015). Collection method: clinical testing. Allele origin: germline.
Comment: This sequence change replaces arginine, which is basic and polar, with tryptophan, which is neutral and slightly polar, at codon 41 of the CLCN4 protein (p.Arg41Trp). The frequency data for this variant in the population databases is considered unreliable, as metrics indicate poor data quality at this position in the gnomAD database. This variant has not been reported in the literature in individuals affected with CLCN4-related conditions. ClinVar contains an entry for this variant (Variation ID: 1451039). Advanced modeling of protein sequence and biophysical properties (such as structural, functional, and spatial information, amino acid conservation, physicochemical variation, residue mobility, and thermodynamic stability) has been performed at Invitae for this missense variant, however the output from this modeling did not meet the statistical confidence thresholds required to predict the impact of this variant on CLCN4 protein function. In summary, the available evidence is currently insufficient to determine the role of this variant in disease. Therefore, it has been classified as a Variant of Uncertain Significance.